The following is an entry in ClinVar:

NM_134261.3(RORA):c.631G>A (p.Gly211Arg)

Genes: RORA (RAR related orphan receptor A; minus strand), RORA-AS1 (RORA antisense RNA 1; plus strand). Cytogenetic location: 15q22.2.
Variant type: single nucleotide variant.
Coding change: c.631G>A on transcript NM_134261.3 (MANE Select); coding-DNA position 631, G replaced by A.
Protein change: p.Gly211Arg; replaces glycine 211 with arginine.
Molecular consequence: missense variant.
Genome position (GRCh38, 1-based): chr15:60,511,415, C>T on the plus strand (G>A on the coding strand, the complement: RORA is on the minus strand). VCF-style: chr15-60511415-C-T. GRCh37 (hg19) VCF-style: chr15-60803614-C-T.
Other names: c.706G>A, p.Gly236Arg (NM_002943.4); c.730G>A, p.Gly244Arg (NM_134260.3); c.466G>A, p.Gly156Arg (NM_134262.3); c.730G>A (NM_134260.2); short protein forms G156R, G211R, G236R, G244R.
Identifiers: ClinVar variation 2575856 (VCV002575856.2), dbSNP rs2542049931, ClinGen allele CA392670699.

ClinVar aggregate classification (germline): Uncertain significance. Review status: criteria provided, multiple submitters, no conflicts (2 of 4 stars). 2 submissions from 2 submitters: Uncertain significance (2). Last evaluated 2024-03-27.

Conditions:
Inborn genetic diseases. Identifiers: MedGen C0950123, MeSH D030342.

Submissions (2):

Ambry Genetics
Classification: Uncertain significance for Inborn genetic diseases. Last evaluated: 2024-03-27. Review status: criteria provided, single submitter. Criteria: Ambry Variant Classification Scheme 2023. Collection method: clinical testing. Allele origin: germline.
Comment: The c.730G>A (p.G244R) alteration is located in exon 6 (coding exon 6) of the RORA gene. This alteration results from a G to A substitution at nucleotide position 730, causing the glycine (G) at amino acid position 244 to be replaced by an arginine (R). This variant was not reported in population-based cohorts in the Genome Aggregation Database (gnomAD). This amino acid position is highly conserved in available vertebrate species. This alteration is predicted to be deleterious by in silico analysis. Based on insufficient or conflicting evidence, the clinical significance of this alteration remains unclear.

GeneDx
Classification: Uncertain significance. Last evaluated: 2023-02-09. Review status: criteria provided, single submitter. Criteria: GeneDx Variant Classification Process June 2021. Collection method: clinical testing. Allele origin: germline. Affected: yes.
Comment: Not observed at significant frequency in large population cohorts (gnomAD); In silico analysis supports that this missense variant does not alter protein structure/function; Has not been previously published as pathogenic or benign to our knowledge